The following is an entry in ClinVar:

NM_001082486.2(ACD):c.578T>A (p.Leu193Gln)

Gene: ACD (ACD shelterin complex subunit and telomerase recruitment factor; minus strand). Cytogenetic location: 16q22.1.
Variant type: single nucleotide variant.
Coding change: c.578T>A on transcript NM_001082486.2 (MANE Select); coding-DNA position 578, T replaced by A.
Protein change: p.Leu193Gln; replaces leucine 193 with glutamine.
Molecular consequence: missense variant.
Genome position (GRCh38, 1-based): chr16:67,658,995, A>T on the plus strand (T>A on the coding strand, the complement: ACD is on the minus strand). VCF-style: chr16-67658995-A-T. GRCh37 (hg19) VCF-style: chr16-67692898-A-T.
Other names: c.578T>A, p.Leu193Gln (NM_001410884.1); c.569T>A, p.Leu190Gln (NM_022914.3); short protein forms L190Q, L193Q.
Identifiers: ClinVar variation 3007133 (VCV003007133.3), dbSNP rs1312368213, ClinGen allele CA396354092.
Genomic context (GRCh38, chr16:67,658,995, plus strand): 5'-TTGCATCGTGAGGCAGCCCAGTGGGTGACAGGGGGTGCTGTGCAAGGGCCCTCCAGTGTC[A>T]GGCAGCTTTCAGCCAGGCACACGAGTGCCCCCTGATGCTCCTGGTCCTCCCGCATTTCAT-3'
Protein context (NP_001075955.2, residues 183-203): GALVCLAESC[Leu193Gln]TLEGPCTAPP

ClinVar aggregate classification (germline): Uncertain significance (1 of 4 stars; one submission).

Conditions:
Dyskeratosis congenita, autosomal dominant 6 (DKCA6). Identifiers: Orphanet 3322, MedGen C4225284, MONDO:0014690, OMIM 616553.

Allele frequency attached by ClinVar (database versions not stated): gnomAD exomes below 0.00001.
gnomAD v4.1: 1 of 1,613,916 alleles (0.000062%); no homozygotes.

Submission:

Labcorp Genetics (formerly Invitae), Labcorp
Classification: Uncertain significance for Dyskeratosis congenita, autosomal dominant 6. Last evaluated: 2023-02-03. Review status: criteria provided, single submitter. Criteria: Invitae Variant Classification Sherloc (09022015). Collection method: clinical testing. Allele origin: germline.
Comment: In summary, the available evidence is currently insufficient to determine the role of this variant in disease. Therefore, it has been classified as a Variant of Uncertain Significance. Advanced modeling of protein sequence and biophysical properties (such as structural, functional, and spatial information, amino acid conservation, physicochemical variation, residue mobility, and thermodynamic stability) performed at Invitae indicates that this missense variant is expected to disrupt ACD protein function. This variant has not been reported in the literature in individuals affected with ACD-related conditions. This variant is present in population databases (no rsID available, gnomAD 0.004%). This sequence change replaces leucine, which is neutral and non-polar, with glutamine, which is neutral and polar, at codon 279 of the ACD protein (p.Leu279Gln).